The following is an entry in ClinVar:

ClinVar aggregate classification (germline): Pathogenic. Review status: criteria provided, multiple submitters, no conflicts (2 of 4 stars). 4 submissions from 4 submitters: Pathogenic (4). Last evaluated 2026-01-01.

Conditions:
COL7A1-related disorder. Also called: COL7A1- related disorders; COL7A1-related condition.
Recessive dystrophic epidermolysis bullosa (RDEB). Also called: Recessive DEB (RDEB); DYSTROPHIC EPIDERMOLYSIS BULLOSA, AUTOSOMAL RECESSIVE; EPIDERMOLYSIS BULLOSA DYSTROPHICA, HALLOPEAU-SIEMENS TYPE; Hallopeau-Siemens Disease; epidermolysis bullosa dystrophica, autosomal recessive; EPIDERMOLYSIS BULLOSA DYSTROPHICA, GENERALIZED SEVERE, AUTOSOMAL RECESSIVE. Identifiers: Orphanet 79408, Orphanet 79409, MedGen C0079474, MONDO:0009179, OMIM 226600.
Pretibial dystrophic epidermolysis bullosa. Also called: EPIDERMOLYSIS BULLOSA DYSTROPHICA, PRETIBIAL; Pretibial blistering; Pretibial epidermolysis bullosa. Identifiers: Orphanet 79410, MedGen C0432321, MONDO:0007552, OMIM 131850, HP:0012221.

gnomAD v4.1: 5 of 1,614,054 alleles (0.00031%); highest among the groups gnomAD compares: Non-Finnish European, 0.00042%; no homozygotes.

Submissions (4):

Labcorp Genetics (formerly Invitae), Labcorp
Classification: Pathogenic. Last evaluated: 2026-01-01. Review status: criteria provided, single submitter. Criteria: Invitae Variant Classification Sherloc (09022015). Collection method: clinical testing. Allele origin: germline.
Comment: This sequence change replaces glycine, which is neutral and non-polar, with serine, which is neutral and polar, at codon 2233 of the COL7A1 protein (p.Gly2233Ser). This variant is not present in population databases (gnomAD no frequency). This missense change has been observed in individual(s) with clinical features of autosomal recessive dystrophic epidermolysis bullosa and/or epidermolysis bullosa dystrophica (PMID: 10944088, 24213372, 35979658; internal data). ClinVar contains an entry for this variant (Variation ID: 1676652). Invitae Evidence Modeling of protein sequence and biophysical properties (such as structural, functional, and spatial information, amino acid conservation, physicochemical variation, residue mobility, and thermodynamic stability) indicates that this missense variant is expected to disrupt COL7A1 protein function with a positive predictive value of 95%. This variant disrupts the triple helix domain of COL7A1. Glycine residues within the Gly-Xaa-Yaa repeats of the triple helix domain are required for the structure and stability of fibrillar collagens (PMID: 7695699, 8218237, 19344236), and variants at these glycine residues in COL7A1 are more frequently observed in individuals with disease than in the general population (PMID: 22058051). However, the clinical significance of this observation remains uncertain since only a limited number of affected individuals have been described to date. This variant disrupts the p.Gly2233 amino acid residue in COL7A1. Other variant(s) that disrupt this residue have been observed in individuals with COL7A1-related conditions (PMID: 11378329, 31001817), which suggests that this may be a clinically significant amino acid residue. For these reasons, this variant has been classified as Pathogenic.

3billion
Classification: Pathogenic for Pretibial dystrophic epidermolysis bullosa. Last evaluated: 2024-06-28. Review status: criteria provided, single submitter. Criteria: ACMG Guidelines, 2015. Collection method: clinical testing. Allele origin: unknown. Affected: yes. Observed: 1 homozygote.
Comment: The variant is not observed in the gnomAD v2.1.1 dataset. In silico tool predictions suggest damaging effect of the variant on gene or gene product (REVEL: 0.98; 3Cnet: 0.97). Same nucleotide change resulting in same amino acid change has been previously reported to be associated with COL7A1 related disorder (PMID: 10944088). Different missense changes at the same codon (p.Gly2233Arg, p.Gly2233Asp, p.Gly2233Cys) have been reported to be associated with COL7A1 related disorder (PMID: 11378329, 19197535, 25284350). Therefore, this variant is classified as pathogenic according to the recommendation of ACMG/AMP guideline.

PreventionGenetics, part of Exact Sciences
Classification: Pathogenic for COL7A1-related condition. Last evaluated: 2024-01-11. Review status: criteria provided, single submitter. Criteria: ACMG Guidelines, 2015. Collection method: clinical testing. Allele origin: germline.
Comment: The COL7A1 c.6697G>A variant is predicted to result in the amino acid substitution p.Gly2233Ser. This variant has been reported in individuals with recessive dystrophic epidermolysis bullosa (DEB) (Salas-Alanis et al. 2000. PubMed ID: 10944088; Woodley et al. 2014. PubMed ID: 24213372; Table S2, Natale et al. 2022. PubMed ID: 35979658). In addition, other substitutions of the same amino acid have been reported in individuals with dominant or recessive DEB (for example, see Tables S1 and S2 in Almaani et al. 2011. PubMed ID: 21448560). This variant has not been reported in a large population database, indicating it is rare. The amino acid residue p.Gly2233 resides within the triple helical domain of the COL7A1 protein (amino acids 1254-2783). Glycine substitutions within this domain affect the folding and secretion of type VII collagen, and pathogenic variants altering glycine residues have been reported in individuals with COL7A1-related disorders (Dang and Murrell. 2008. PubMed ID: 18558993; Abu Sa'd et al. 2006. PubMed ID: 16439963; Almaani et al. 2011. PubMed ID: 21448560; Vahidnezhad et al. 2017. PubMed ID: 27899325). This variant is interpreted as pathogenic.

Center for Research in Genodermatoses and Epidermolysis Bullosa, University of Buenos Aires
Classification: Pathogenic for Recessive dystrophic epidermolysis bullosa. Last evaluated: 2022-03-14. Review status: criteria provided, single submitter. Criteria: ACMG Guidelines, 2015. Collection method: clinical testing. Allele origin: germline. Affected: yes. Observed: 4 variant alleles, 2 compound heterozygotes, 2 homozygotes.

Literature cited by the submitters: PubMed 10944088 (cited by 3 submitters); PubMed 24213372 (cited by Labcorp Genetics (formerly Invitae), Labcorp); PubMed 35979658 (cited by Labcorp Genetics (formerly Invitae), Labcorp and Center for Research in Genodermatoses and Epidermolysis Bullosa, University of Buenos Aires); PubMed 7695699 (cited by Labcorp Genetics (formerly Invitae), Labcorp); PubMed 8218237 (cited by Labcorp Genetics (formerly Invitae), Labcorp); PubMed 19344236 (cited by Labcorp Genetics (formerly Invitae), Labcorp); PubMed 22058051 (cited by Labcorp Genetics (formerly Invitae), Labcorp); PubMed 11378329 (cited by Labcorp Genetics (formerly Invitae), Labcorp and 3billion); PubMed 31001817 (cited by Labcorp Genetics (formerly Invitae), Labcorp); PubMed 19197535 (cited by 3billion); PubMed 25284350 (cited by 3billion).

NM_000094.4(COL7A1):c.6697G>A (p.Gly2233Ser)

Gene: COL7A1 (collagen type VII alpha 1 chain; minus strand). Cytogenetic location: 3p21.31.
Variant type: single nucleotide variant.
Coding change: c.6697G>A on transcript NM_000094.4 (MANE Select); coding-DNA position 6697, G replaced by A.
Protein change: p.Gly2233Ser; replaces glycine 2233 with serine.
Molecular consequence: missense variant.
Genome position (GRCh38, 1-based): chr3:48,573,191, C>T on the plus strand (G>A on the coding strand, the complement: COL7A1 is on the minus strand). VCF-style: chr3-48573191-C-T. GRCh37 (hg19) VCF-style: chr3-48610624-C-T.
Other names: short protein forms G2233S.
Identifiers: ClinVar variation 1676652 (VCV001676652.9), dbSNP rs2107661505, ClinGen allele CA352655420.